The following is an entry in ClinVar:

ClinVar aggregate classification (germline): Pathogenic. Review status: criteria provided, multiple submitters, no conflicts (2 of 4 stars). 3 submissions from 3 submitters: Pathogenic (3). Last evaluated 2024-11-11.

Conditions:
Developmental and epileptic encephalopathy, 9 (DEE9). Also called: Early infantile epileptic encephalopathy 9; JUBERG-HELLMAN SYNDROME; EPILEPSY, FEMALE-RESTRICTED, WITH MENTAL RETARDATION; PCDH19-Related X-Linked Female-Limited Epilepsy with Mental Retardation. Identifiers: Orphanet 101039, Orphanet 2076, MedGen C1848137, MONDO:0010246, OMIM 300088. Disease mechanism: loss of function.
Seizure. Also called: Seizures. Identifiers: MedGen C0036572, HP:0001250.

Submissions (3):

Clinical Genetics Laboratory, Skane University Hospital Lund
Classification: Pathogenic for Seizure. Last evaluated: 2024-11-11. Review status: criteria provided, single submitter. Criteria: ACMG Guidelines, 2015. Collection method: clinical testing. Allele origin: paternal. Inheritance: X-linked inheritance. Affected: yes.
Comment: ACMG criteria used: PVS1, PS2 (detected de novo in another published patient), PM2

Victorian Clinical Genetics Services, Murdoch Childrens Research Institute
Classification: Pathogenic for Developmental and epileptic encephalopathy, 9. Last evaluated: 2023-07-16. Review status: criteria provided, single submitter. Criteria: ACMG Guidelines, 2015. Collection method: clinical testing. Allele origin: germline. Inheritance: X-linked inheritance. Affected: yes.
Comment: Based on the classification scheme VCGS_Germline_v1.3.4, this variant is classified as Pathogenic. Following criteria are met: 0102 - Loss of function is a known mechanism of disease in this gene and is associated with developmental and epileptic encephalopathy 9 (MIM#300088). (I) 0110 - This gene is associated with X-linked disease. Heterozygous females and mosaic males are affected, however hemizygous males do not present with symptoms (PMID: 28669061). (I) 0201 - Variant is predicted to cause nonsense-mediated decay (NMD) and loss of protein (premature termination codon is located at least 54 nucleotides upstream of the final exon-exon junction). (SP) 0251 - This variant is heterozygous. (I) 0301 - Variant is absent from gnomAD (both v2 and v3). (SP) 0701 - Other NMD predicted variants comparable to the one identified in this case have very strong previous evidence for pathogenicity (DECIPHER). (SP) 0801 - This variant has strong previous evidence of pathogenicity in unrelated individuals. This variant has been observed as a de novo event in two individuals with seizures (ClinVar, PMIDs: 29655203, 29377098). (SP) 0905 - No published segregation evidence has been identified for this variant. (I) 1007 - No published functional evidence has been identified for this variant. (SP) Legend: (SP) - Supporting pathogenic, (I) - Information, (SB) - Supporting benign

GeneDx
Classification: Pathogenic. Last evaluated: 2018-04-17. Review status: criteria provided, single submitter. Criteria: GeneDx Variant Classification (06012015). Collection method: clinical testing. Allele origin: germline. Affected: yes.
Comment: This variant is predicted to cause loss of normal protein function either through protein truncation or nonsense-mediated mRNA decay. The R207X variant is not observed in large population cohorts (Lek et al., 2016). We interpret R207X as a pathogenic variant.

Literature cited by the submitters: PubMed 28669061 (cited by Victorian Clinical Genetics Services, Murdoch Childrens Research Institute); PubMed 29377098 (cited by Victorian Clinical Genetics Services, Murdoch Childrens Research Institute); PubMed 29655203 (cited by Victorian Clinical Genetics Services, Murdoch Childrens Research Institute).

NM_001184880.2(PCDH19):c.619C>T (p.Arg207Ter)

Gene: PCDH19 (protocadherin 19; minus strand). Cytogenetic location: Xq22.1.
Variant type: single nucleotide variant.
Coding change: c.619C>T on transcript NM_001184880.2 (MANE Select); coding-DNA position 619, C replaced by T.
Protein change: p.Arg207Ter; replaces arginine 207 with a stop codon.
Molecular consequence: nonsense.
Genome position (GRCh38, 1-based): chrX:100,407,979, G>A on the plus strand (C>T on the coding strand, the complement: PCDH19 is on the minus strand). VCF-style: chrX-100407979-G-A. GRCh37 (hg19) VCF-style: chrX-99662977-G-A.
Other names: p.R207*:CGA>TGA; c.619C>T, p.Arg207Ter (NM_001105243.2, NM_020766.3); short protein forms R207*.
Identifiers: ClinVar variation 206316 (VCV000206316.7), dbSNP rs796052802, ClinGen allele CA316304.